The following is an entry in ClinVar:

NM_001852.4(COL9A2):c.418-3C>T

Gene: COL9A2 (collagen type IX alpha 2 chain; minus strand). Cytogenetic location: 1p34.2.
Variant type: single nucleotide variant.
Coding change: c.418-3C>T on transcript NM_001852.4 (MANE Select); 3 bases into the intron before coding-DNA position 418, C replaced by T.
Molecular consequence: intron variant.
Genome position (GRCh38, 1-based): chr1:40,311,718, G>A on the plus strand (C>T on the coding strand, the complement: COL9A2 is on the minus strand). VCF-style: chr1-40311718-G-A. GRCh37 (hg19) VCF-style: chr1-40777390-G-A.
Identifiers: ClinVar variation 2106516 (VCV002106516.4), dbSNP rs1644131463, ClinGen allele CA1164339602.
Genomic context (GRCh38, chr1:40,311,718, plus strand): 5'-TTACAGGTTTCCCAGGGGGTCCTGGGGGCCCCGATGGTCCATCTGGTCCAGGGTCCCCCT[G>A]GAAGCAAAAGAAGCCCAAATCATACCCCTGACCAGCCCTTACCAGCTTACCCTAGTGCCC-3'

ClinVar aggregate classification (germline): Uncertain significance (1 of 4 stars; one submission).

Allele frequency attached by ClinVar (database versions not stated): gnomAD exomes below 0.00001; TOPMed below 0.00001.
gnomAD v4.1: 2 of 1,613,876 alleles (0.00012%); highest among the groups gnomAD compares: Non-Finnish European, 0.00017%; no homozygotes.

Submission:

Labcorp Genetics (formerly Invitae), Labcorp
Classification: Uncertain significance. Last evaluated: 2022-08-16. Review status: criteria provided, single submitter. Criteria: Invitae Variant Classification Sherloc (09022015). Collection method: clinical testing. Allele origin: germline.
Comment: In summary, the available evidence is currently insufficient to determine the role of this variant in disease. Therefore, it has been classified as a Variant of Uncertain Significance. Variants that disrupt the consensus splice site are a relatively common cause of aberrant splicing (PMID: 17576681, 9536098). Algorithms developed to predict the effect of sequence changes on RNA splicing suggest that this variant is not likely to affect RNA splicing. This variant has not been reported in the literature in individuals affected with COL9A2-related conditions. This variant is not present in population databases (gnomAD no frequency). This sequence change falls in intron 8 of the COL9A2 gene. It does not directly change the encoded amino acid sequence of the COL9A2 protein. It affects a nucleotide within the consensus splice site.

Literature cited by the submitters: PubMed 17576681; PubMed 9536098.